The following is an entry in ClinVar:

NM_001130438.3(SPTAN1):c.5702A>G (p.Glu1901Gly)

Gene: SPTAN1 (spectrin alpha, non-erythrocytic 1; plus strand). Cytogenetic location: 9q34.11.
Variant type: single nucleotide variant.
Coding change: c.5702A>G on transcript NM_001130438.3 (MANE Select); coding-DNA position 5702, A replaced by G.
Protein change: p.Glu1901Gly; replaces glutamic acid 1901 with glycine.
Molecular consequence: missense variant.
Genome position (GRCh38, 1-based): chr9:128,618,972, A>G. VCF-style: chr9-128618972-A-G. GRCh37 (hg19) VCF-style: chr9-131381251-A-G.
Other names: c.5627A>G, p.Glu1876Gly (NM_001195532.2); c.5702A>G, p.Glu1901Gly (NM_001363759.2, NM_001375310.1, NM_001375311.2 and 1 more transcripts); c.5642A>G, p.Glu1881Gly (NM_001363765.2, NM_001375314.2); c.5738A>G, p.Glu1913Gly (NM_001375312.2, NM_001375318.1); c.5687A>G, p.Glu1896Gly (NM_003127.4); short protein forms E1876G, E1881G, E1896G, E1913G, E1901G.
Identifiers: ClinVar variation 1346648 (VCV001346648.9), dbSNP rs2131818051, ClinGen allele CA375078312.

ClinVar aggregate classification (germline): Uncertain significance (1 of 4 stars; one submission).

Conditions:
Early-infantile DEE. Also called: Early infantile epileptic encephalopathy; Early infantile epileptic encephalopathy with suppression bursts; Ohtahara syndrome. Identifiers: Orphanet 1934, MedGen C0393706, MONDO:0800491.

Submission:

Labcorp Genetics (formerly Invitae), Labcorp
Classification: Uncertain significance for Early-infantile DEE. Last evaluated: 2024-10-23. Review status: criteria provided, single submitter. Criteria: Invitae Variant Classification Sherloc (09022015). Collection method: clinical testing. Allele origin: germline.
Comment: This sequence change replaces glutamic acid, which is acidic and polar, with glycine, which is neutral and non-polar, at codon 1901 of the SPTAN1 protein (p.Glu1901Gly). This variant is not present in population databases (gnomAD no frequency). This variant has not been reported in the literature in individuals affected with SPTAN1-related conditions. ClinVar contains an entry for this variant (Variation ID: 1346648). Invitae Evidence Modeling of protein sequence and biophysical properties (such as structural, functional, and spatial information, amino acid conservation, physicochemical variation, residue mobility, and thermodynamic stability) has been performed for this missense variant. However, the output from this modeling did not meet the statistical confidence thresholds required to predict the impact of this variant on SPTAN1 protein function. In summary, the available evidence is currently insufficient to determine the role of this variant in disease. Therefore, it has been classified as a Variant of Uncertain Significance.